The following is an entry in ClinVar:

ClinVar aggregate classification (germline): Uncertain significance (1 of 4 stars; one submission).

Conditions:
Familial cancer of breast. Also called: Hereditary breast cancer; BREAST CANCER, FAMILIAL; hereditary breast carcinoma. Identifiers: Orphanet 227535, MedGen C0346153, MONDO:0016419, OMIM 114480. Disease mechanism: loss of function.

Submission:

Labcorp Genetics (formerly Invitae), Labcorp
Classification: Uncertain significance for Familial cancer of breast. Last evaluated: 2022-05-05. Review status: criteria provided, single submitter. Criteria: Invitae Variant Classification Sherloc (09022015). Collection method: clinical testing. Allele origin: germline.
Comment: In summary, the available evidence is currently insufficient to determine the role of this variant in disease. Therefore, it has been classified as a Variant of Uncertain Significance. Algorithms developed to predict the effect of missense changes on protein structure and function are either unavailable or do not agree on the potential impact of this missense change (SIFT: "Tolerated"; PolyPhen-2: "Possibly Damaging"; Align-GVGD: "Class C0"). This variant has not been reported in the literature in individuals affected with PALB2-related conditions. This variant is not present in population databases (gnomAD no frequency). This sequence change replaces cysteine, which is neutral and slightly polar, with arginine, which is basic and polar, at codon 1078 of the PALB2 protein (p.Cys1078Arg).

NM_024675.4(PALB2):c.3232T>C (p.Cys1078Arg)

Gene: PALB2 (partner and localizer of BRCA2; minus strand). Cytogenetic location: 16p12.2.
Variant type: single nucleotide variant.
Coding change: c.3232T>C on transcript NM_024675.4 (MANE Select); coding-DNA position 3232, T replaced by C.
Protein change: p.Cys1078Arg; replaces cysteine 1078 with arginine.
Molecular consequence: missense variant.
Genome position (GRCh38, 1-based): chr16:23,607,982, A>G on the plus strand (T>C on the coding strand, the complement: PALB2 is on the minus strand). VCF-style: chr16-23607982-A-G. GRCh37 (hg19) VCF-style: chr16-23619303-A-G.
Other names: c.3172T>C, p.Cys1058Arg (NM_001407296.1); c.3160T>C, p.Cys1054Arg (NM_001407297.1); c.3070T>C, p.Cys1024Arg (NM_001407298.1); c.2953T>C, p.Cys985Arg (NM_001407300.1); c.2347T>C, p.Cys783Arg (NM_001407304.1, NM_001407305.1, NM_001407306.1); c.2185T>C, p.Cys729Arg (NM_001407307.1); c.1444T>C, p.Cys482Arg (NM_001407312.1); c.766T>C, p.Cys256Arg (NM_001407314.1); short protein forms C1058R, C256R, C1054R, C729R, C783R, C985R, C1024R, C1078R.
Identifiers: ClinVar variation 2133967 (VCV002133967.4), dbSNP rs876659587, ClinGen allele CA395139982.